The following is an entry in ClinVar:

ClinVar aggregate classification (germline): Benign/Likely benign. Review status: criteria provided, multiple submitters, no conflicts (2 of 4 stars). 3 submissions from 3 submitters: Benign (1); Likely benign (2). Last evaluated 2026-01-12.

Conditions:
DPAGT1-congenital disorder of glycosylation. Also called: CONGENITAL DISORDER OF GLYCOSYLATION, TYPE Ij; CDG Ij; DPAGT1-CDG. Identifiers: Orphanet 86309, MedGen C2931004, MONDO:0011964, OMIM 608093.
Congenital myasthenic syndrome 13 (CMS13). Also called: Myasthenic syndrome, congenital, with tubular aggregates 2; Myasthenic syndrome, congenital, 13, with tubular aggregates. Identifiers: Orphanet 353327, Orphanet 590, MedGen C3553645, MONDO:0013883, OMIM 614750.

Allele frequency attached by ClinVar (database versions not stated): gnomAD exomes 0.00027; ExAC 0.00035; 1000 Genomes Project 30x 0.00094; gnomAD 0.00111 and 0.00116; 1000 Genomes Project 0.00120; TOPMed 0.00138; ESP Exome Variant Server 0.00200.
gnomAD v4.1: 349 of 1,614,176 alleles (0.022%); highest among the groups gnomAD compares: African/African-American, 0.36%; 1 homozygote.

Submissions (3):

Labcorp Genetics (formerly Invitae), Labcorp
Classification: Benign for Congenital myasthenic syndrome 13; DPAGT1-congenital disorder of glycosylation. Last evaluated: 2026-01-12. Review status: criteria provided, single submitter. Criteria: Invitae Variant Classification Sherloc (09022015). Collection method: clinical testing. Allele origin: germline.

Blueprint Genetics
Classification: Likely benign. Last evaluated: 2024-11-25. Review status: criteria provided, single submitter. Criteria: ACMG Guidelines, 2015. Collection method: clinical testing. Allele origin: germline.

GeneDx
Classification: Likely benign. Last evaluated: 2017-10-05. Review status: criteria provided, single submitter. Criteria: GeneDx Variant Classification (06012015). Collection method: clinical testing. Allele origin: germline. Affected: yes.
Comment: This variant is considered likely benign or benign based on one or more of the following criteria: it is a conservative change, it occurs at a poorly conserved position in the protein, it is predicted to be benign by multiple in silico algorithms, and/or has population frequency not consistent with disease.

NM_001382.4(DPAGT1):c.1161+16G>A

Gene: DPAGT1 (dolichyl-phosphate N-acetylglucosaminephosphotransferase 1; minus strand). Cytogenetic location: 11q23.3.
Variant type: single nucleotide variant.
Coding change: c.1161+16G>A on transcript NM_001382.4 (MANE Select); 16 bases into the intron after coding-DNA position 1161, G replaced by A.
Molecular consequence: intron variant.
Genome position (GRCh38, 1-based): chr11:119,097,126, C>T on the plus strand (G>A on the coding strand, the complement: DPAGT1 is on the minus strand). VCF-style: chr11-119097126-C-T. GRCh37 (hg19) VCF-style: chr11-118967836-C-T.
Identifiers: ClinVar variation 516551 (VCV000516551.11), dbSNP rs201301096, ClinGen allele CA6314450.